The following is an entry in ClinVar:

NM_000059.4(BRCA2):c.1511_1512del (p.Ser504fs)

Gene: BRCA2 (BRCA2 DNA repair associated; plus strand). Cytogenetic location: 13q13.1.
Variant type: Deletion.
Coding change: c.1511_1512del on transcript NM_000059.4 (MANE Select); coding-DNA positions 1511 to 1512, 2 bases deleted (CT; older notation c.1511_1512delCT).
Protein change: p.Ser504fs; shifts the reading frame from serine 504.
Molecular consequence: frameshift variant.
Genome position (GRCh38, 1-based): chr13:32,332,989-32,332,990, CT deleted; deleting any 2 consecutive bases within chr13:32,332,988-32,332,990 gives the same sequence; the c. name uses the placement nearest the transcript's 3' end. VCF-style (leftmost placement, unchanged base first): chr13-32332987-GTC-G. GRCh37 (hg19) VCF-style: chr13-32907124-GTC-G.
Other names: 1739delCT; c.1511_1512delCT (NM_000059.3).
Identifiers: ClinVar variation 51136 (VCV000051136.20), dbSNP rs80359286, ClinGen allele CA012267.
Genomic context (GRCh38, chr13:32,332,987, plus strand): 5'-AGTAAAGCAGGCAATATCTGGAACTTCTCCAGTGGCTTCTTCATTTCAGGGTATCAAAAA[GTC>G]TATATTCAGAATAAGAGAATCACCTAAAGAGACTTTCAATGCAAGTTTTTCAGGTCATAT-3'

ClinVar aggregate classification (germline): Pathogenic. Review status: reviewed by expert panel (3 of 4 stars). 8 submissions from 8 submitters: Pathogenic (1). 7 of the submissions do not count toward it. Last evaluated 2016-09-08.

Conditions:
Hereditary cancer-predisposing syndrome. Also called: Neoplastic Syndromes, Hereditary; Tumor predisposition; Hereditary Cancer Syndrome; Hereditary neoplastic syndrome. Identifiers: Orphanet 140162, MedGen C0027672, MeSH D009386, MONDO:0015356.
Hereditary breast ovarian cancer syndrome. Also called: Hereditary breast and ovarian cancer syndrome; Hereditary breast and ovarian cancer; Hereditary breast and ovarian cancer syndrome (HBOC); Breast and ovarian cancer; Hereditary breast and/or ovarian cancer syndrome; BRCA1- and BRCA2-Associated Hereditary Breast and Ovarian Cancer. Identifiers: Orphanet 145, MedGen C0677776, MeSH D061325, MONDO:0003582. Disease mechanism: loss of function.
Breast-ovarian cancer, familial, susceptibility to, 2 (BROVCA2). Also called: BRCA2 Hereditary Breast and Ovarian Cancer. Identifiers: Orphanet 145, MedGen C2675520, MONDO:0012933, OMIM 612555. Disease mechanism: loss of function.

Submissions (8):

Evidence-based Network for the Interpretation of Germline Mutant Alleles (ENIGMA)
Classification: Pathogenic for Breast-ovarian cancer, familial, susceptibility to, 2. Last evaluated: 2016-09-08. Review status: reviewed by expert panel. Criteria: ENIGMA BRCA1/2 Classification Criteria (2015). Collection method: curation. Allele origin: germline.
Comment: Variant allele predicted to encode a truncated non-functional protein.

Labcorp Genetics (formerly Invitae), Labcorp
Classification: Pathogenic for Hereditary breast ovarian cancer syndrome. Last evaluated: 2023-09-25. Review status: criteria provided, single submitter. Criteria: Invitae Variant Classification Sherloc (09022015). Collection method: clinical testing. Allele origin: germline. Not counted in ClinVar's aggregate classification.
Comment: This sequence change creates a premature translational stop signal (p.Ser504Tyrfs*9) in the BRCA2 gene. It is expected to result in an absent or disrupted protein product. Loss-of-function variants in BRCA2 are known to be pathogenic (PMID: 20104584). This variant is not present in population databases (gnomAD no frequency). This premature translational stop signal has been observed in individual(s) with a personal or family history of breast and/or ovarian cancer (PMID: 21120943). ClinVar contains an entry for this variant (Variation ID: 51136). For these reasons, this variant has been classified as Pathogenic.

Ambry Genetics
Classification: Pathogenic for Hereditary cancer-predisposing syndrome. Last evaluated: 2023-08-07. Review status: criteria provided, single submitter. Criteria: Ambry Variant Classification Scheme 2023. Collection method: clinical testing. Allele origin: germline. Not counted in ClinVar's aggregate classification.
Comment: The c.1511_1512delCT pathogenic mutation, located in coding exon 9 of the BRCA2 gene, results from a deletion of two nucleotides at nucleotide positions 1511 to 1512, causing a translational frameshift with a predicted alternate stop codon (p.S504Yfs*9). This variant is considered to be rare based on population cohorts in the Genome Aggregation Database (gnomAD). This alteration is expected to result in loss of function by premature protein truncation or nonsense-mediated mRNA decay. As such, this alteration is interpreted as a disease-causing mutation.

Women's Health and Genetics/Laboratory Corporation of America, LabCorp
Classification: Pathogenic for Hereditary breast ovarian cancer syndrome. Last evaluated: 2023-05-01. Review status: criteria provided, single submitter. Criteria: LabCorp Variant Classification Summary - May 2015. Collection method: clinical testing. Allele origin: germline. Not counted in ClinVar's aggregate classification.
Comment: Variant summary: BRCA2 c.1511_1512delCT (p.Ser504TyrfsX9) results in a premature termination codon, predicted to cause a truncation of the encoded protein or absence of the protein due to nonsense mediated decay, which are commonly known mechanisms for disease. The variant was absent in 230588 control chromosomes (gnomAD). c.1511_1512delCT has been reported in the literature in individuals affected with Hereditary Breast And/or Ovarian Cancer (example: Rebbeck_2018). The following publication have been ascertained in the context of this evaluation (PMID: 29446198). Six submitters including an expert panel (ENIGMA) have evlauated with variant after 2014 and classified the variant as pathogenic. Based on the evidence outlined above, the variant was classified as pathogenic.

Color Diagnostics, LLC DBA Color Health
Classification: Pathogenic for Hereditary cancer-predisposing syndrome. Last evaluated: 2020-01-15. Review status: criteria provided, single submitter. Criteria: ACMG Guidelines, 2015. Collection method: clinical testing. Allele origin: germline. Not counted in ClinVar's aggregate classification.
Comment: This variant deletes 2 nucleotides in exon 10 of the BRCA2 gene, creating a frameshift and premature translation stop signal. This variant is expected to result in an absent or non-functional protein product. This variant has not been identified in the general population by the Genome Aggregation Database (gnomAD). Loss of BRCA2 function is a known mechanism of disease. Based on the available evidence, this variant is classified as Pathogenic.

GeneDx
Classification: Pathogenic. Last evaluated: 2017-01-06. Review status: criteria provided, single submitter. Criteria: GeneDx Variant Classification (06012015). Collection method: clinical testing. Allele origin: germline. Affected: yes. Not counted in ClinVar's aggregate classification.
Comment: This deletion of two nucleotides in BRCA2 is denoted c.1511_1512delCT at the cDNA level and p.Ser504TyrfsX9 (S504YfsX9) at the protein level. The normal sequence, with the bases that are deleted in brackets, is AAGT[delCT]ATAT. The deletion causes a frameshift which changes a Serine to a Tyrosine at codon 504, and creates a premature stop codon at position 9 of the new reading frame. This variant is predicted to cause loss of normal protein function through either protein truncation or nonsense-mediated mRNA decay. BRCA2 c.1511_1512delCT, also defined as 1739_1740delCT, has been reported in association with breast and/or ovarian cancer (Caux-Moncoutier 2011). We consider this variant to be pathogenic.

Consortium of Investigators of Modifiers of BRCA1/2 (CIMBA), c/o University of Cambridge
Classification: Pathogenic for Breast-ovarian cancer, familial, susceptibility to, 2. Last evaluated: 2015-10-02. Review status: criteria provided, single submitter. Criteria: CIMBA Mutation Classification guidelines May 2016. Collection method: clinical testing. Allele origin: germline. Not counted in ClinVar's aggregate classification.

Breast Cancer Information Core (BIC) (BRCA2)
Classification: Pathogenic for Breast-ovarian cancer, familial 2. Last evaluated: 2003-12-23. Review status: no assertion criteria provided. Collection method: clinical testing. Allele origin: germline. Affected: yes. Observed: 1 variant allele. Not counted in ClinVar's aggregate classification.

Literature cited by the submitters: PubMed 20104584 (cited by Labcorp Genetics (formerly Invitae), Labcorp); PubMed 21120943 (cited by Labcorp Genetics (formerly Invitae), Labcorp); PubMed 29446198 (cited by Women's Health and Genetics/Laboratory Corporation of America, LabCorp).